The following is an entry in ClinVar:

NM_003482.4(KMT2D):c.702dup (p.Pro235fs)

Gene: KMT2D (lysine methyltransferase 2D; minus strand). Cytogenetic location: 12q13.12.
Variant type: Duplication.
Coding change: c.702dup on transcript NM_003482.4 (MANE Select); coding-DNA position 702, one base duplicated (G; older notation c.702dupG).
Protein change: p.Pro235fs; shifts the reading frame from proline 235.
Molecular consequence: frameshift variant.
Genome position (GRCh38, 1-based): chr12:49,053,613, C duplicated on the plus strand (G on the coding strand, the reverse complement: KMT2D is on the minus strand); the first of 4 consecutive C bases (chr12:49,053,613-49,053,616); duplicating any one gives the same sequence. VCF-style (leftmost placement, unchanged base first): chr12-49053612-G-GC. GRCh37 (hg19) VCF-style: chr12-49447395-G-GC.
Other names: short protein forms P235fs.
Identifiers: ClinVar variation 1451745 (VCV001451745.6), dbSNP rs1555198318, ClinGen allele CA2573148692.
Genomic context (GRCh38, chr12:49,053,612, plus strand): 5'-AGGCCCCGTGATAGTGATGCCCACAGCTGGTACAGAAGAACAGGTCACACAACTCCCCTG[G>GC]CCCCTCACACACTGCACAGCGAGCCTCCTCTGCAGGGGGTAGAGACACCACAGGTCAGCT-3'

ClinVar aggregate classification (germline): Pathogenic (1 of 4 stars; one submission).

Conditions:
Kabuki syndrome. Also called: Kabuki make-up syndrome; NIIKAWA-KUROKI SYNDROME. Identifiers: Orphanet 2322, MedGen C0796004, MONDO:0016512.

Submission:

Labcorp Genetics (formerly Invitae), Labcorp
Classification: Pathogenic for Kabuki syndrome. Last evaluated: 2022-06-20. Review status: criteria provided, single submitter. Criteria: Invitae Variant Classification Sherloc (09022015). Collection method: clinical testing. Allele origin: germline.
Comment: For these reasons, this variant has been classified as Pathogenic. This variant has not been reported in the literature in individuals affected with KMT2D-related conditions. This variant is not present in population databases (gnomAD no frequency). This sequence change creates a premature translational stop signal (p.Pro235Alafs*6) in the KMT2D gene. It is expected to result in an absent or disrupted protein product. Loss-of-function variants in KMT2D are known to be pathogenic (PMID: 22126750).

Literature cited by the submitters: PubMed 22126750.